The following is an entry in ClinVar:

ClinVar aggregate classification (germline): Uncertain significance (1 of 4 stars; one submission).

Conditions:
Fanconi anemia complementation group O. Also called: RAD51C-Related Fanconi Anemia. Identifiers: Orphanet 84, MedGen C3150653, MONDO:0013248, OMIM 613390.

Submission:

Labcorp Genetics (formerly Invitae), Labcorp
Classification: Uncertain significance for Fanconi anemia complementation group O. Last evaluated: 2019-12-06. Review status: criteria provided, single submitter. Criteria: Invitae Variant Classification Sherloc (09022015). Collection method: clinical testing. Allele origin: germline.
Comment: This variant is not present in population databases (ExAC no frequency). This sequence change replaces serine with proline at codon 53 of the RAD51C protein (p.Ser53Pro). The serine residue is highly conserved and there is a moderate physicochemical difference between serine and proline. This variant has not been reported in the literature in individuals with RAD51C-related conditions. Algorithms developed to predict the effect of missense changes on protein structure and function are either unavailable or do not agree on the potential impact of this missense change (SIFT: "Deleterious"; PolyPhen-2: "Benign"; Align-GVGD: "Class C0"). In summary, the available evidence is currently insufficient to determine the role of this variant in disease. Therefore, it has been classified as a Variant of Uncertain Significance.

NM_058216.3(RAD51C):c.157T>C (p.Ser53Pro)

Gene: RAD51C (RAD51 paralog C; plus strand). Cytogenetic location: 17q22.
Variant type: single nucleotide variant.
Coding change: c.157T>C on transcript NM_058216.3 (MANE Select); coding-DNA position 157, T replaced by C.
Protein change: p.Ser53Pro; replaces serine 53 with proline.
Molecular consequence: missense variant. On other transcripts: non-coding transcript variant (2).
Genome position (GRCh38, 1-based): chr17:58,694,942, T>C. VCF-style: chr17-58694942-T-C. GRCh37 (hg19) VCF-style: chr17-56772303-T-C.
Other names: c.157T>C, p.Ser53Pro (NM_002876.4); short protein forms S53P.
Identifiers: ClinVar variation 839967 (VCV000839967.9), dbSNP rs2047940381, ClinGen allele CA400339588.